The following is an entry in ClinVar:

ClinVar aggregate classification (germline): Uncertain significance (1 of 4 stars; one submission).

Conditions:
Hereditary spastic paraplegia 6 (SPG6). Also called: SPASTIC PARAPLEGIA 6, AUTOSOMAL DOMINANT. Identifiers: Orphanet 100988, MedGen C1838192, MONDO:0010878, OMIM 600363.

Allele frequency attached by ClinVar (database versions not stated): gnomAD 0.00001; TOPMed 0.00001.
gnomAD v4.1: 8 of 1,105,574 alleles (0.00072%); highest among the groups gnomAD compares: Non-Finnish European, 0.00088%; no homozygotes.

Submission:

Labcorp Genetics (formerly Invitae), Labcorp
Classification: Uncertain significance for Hereditary spastic paraplegia 6. Last evaluated: 2023-03-31. Review status: criteria provided, single submitter. Criteria: Invitae Variant Classification Sherloc (09022015). Collection method: clinical testing. Allele origin: germline.
Comment: This sequence change replaces alanine, which is neutral and non-polar, with valine, which is neutral and non-polar, at codon 11 of the NIPA1 protein (p.Ala11Val). This variant is not present in population databases (gnomAD no frequency). This variant has not been reported in the literature in individuals affected with NIPA1-related conditions. Experimental studies and prediction algorithms are not available or were not evaluated, and the functional significance of this variant is currently unknown. In summary, the available evidence is currently insufficient to determine the role of this variant in disease. Therefore, it has been classified as a Variant of Uncertain Significance.

NM_144599.5(NIPA1):c.32C>T (p.Ala11Val)

Genes: NIPA1 (NIPA magnesium transporter 1; plus strand), LOC130056709 (ATAC-STARR-seq lymphoblastoid silent region 6259; plus strand). Cytogenetic location: 15q11.2.
Variant type: single nucleotide variant.
Coding change: c.32C>T on transcript NM_144599.5 (MANE Select); coding-DNA position 32, C replaced by T.
Protein change: p.Ala11Val; replaces alanine 11 with valine.
Molecular consequence: missense variant. On other transcripts: intron variant (1).
Genome position (GRCh38, 1-based): chr15:22,786,688, C>T. VCF-style: chr15-22786688-C-T. GRCh37 (hg19) VCF-style: chr15-23086380-G-A.
Other names: c.-48+440C>T (NM_001142275.1); short protein forms A11V.
Identifiers: ClinVar variation 2760707 (VCV002760707.3), dbSNP rs1395086841, ClinGen allele CA391298272.
Genomic context (GRCh38, chr15:22,786,688, plus strand): 5'-CGCAGGCTCGGAGGGCGGGCGCGGGCGGAATGGGGACTGCAGCTGCGGCAGCGGCGGCGG[C>T]GGCGGCGGCGGCGGCCGGGGAGGGGGCGCGTAGCCCGAGCCCCGCCGCCGTGTCGCTCGG-3'
Protein context (NP_653200.2, residues 1-21): MGTAAAAAAA[Ala11Val]AAAAAGEGAR